The following is an entry in ClinVar:

ClinVar aggregate classification (germline): Conflicting classifications of pathogenicity. Review status: criteria provided, conflicting classifications (1 of 4 stars). 3 submissions from 3 submitters: Pathogenic (1); Likely pathogenic (1); Uncertain significance (1). Last evaluated 2024-06-21.

Conditions:
Congenital factor VII deficiency. Identifiers: Orphanet 327, MedGen C0272320, MONDO:0009211, OMIM 227500.

Allele frequency attached by ClinVar (database versions not stated): gnomAD 0.00001; TOPMed 0.00003.

Submissions (3):

Women's Health and Genetics/Laboratory Corporation of America, LabCorp
Classification: Pathogenic for Congenital factor VII deficiency. Last evaluated: 2024-06-21. Review status: criteria provided, single submitter. Criteria: LabCorp Variant Classification Summary - May 2015. Collection method: clinical testing. Allele origin: germline.
Comment: Variant summary: F7 c.752C>T (p.Ala251Val) results in a non-conservative amino acid change located in the Serine proteases, trypsin domain (IPR001254) of the encoded protein sequence. Five of five in-silico tools predict a damaging effect of the variant on protein function. The variant allele was found at a frequency of 2e-05 in 251340 control chromosomes (gnomAD). c.752C>T has been reported in the literature in multiple individuals affected with Congenital factor VII deficiency (Borensztajn_2005, Priesler_2024). These data indicate that the variant is very likely to be associated with disease. The following publications have been ascertained in the context of this evaluation (PMID: 15907525, 38397060). ClinVar contains an entry for this variant (Variation ID: 1706362). Based on the evidence outlined above, the variant was classified as pathogenic.

Mayo Clinic Laboratories, Mayo Clinic
Classification: Likely pathogenic. Last evaluated: 2023-10-03. Review status: criteria provided, single submitter. Criteria: ACMG Guidelines, 2015. Collection method: clinical testing. Allele origin: germline. Observed: 1 variant allele.
Comment: PP3, PM1, PM2_moderate, PM5

GeneDx
Classification: Uncertain significance. Last evaluated: 2022-03-09. Review status: criteria provided, single submitter. Criteria: GeneDx Variant Classification Process June 2021. Collection method: clinical testing. Allele origin: germline. Affected: yes.
Comment: In silico analysis supports that this missense variant has a deleterious effect on protein structure/function; Also known as c.9673 C>T A191V using alternate nomenclature; This variant is associated with the following publications: (PMID: 15907525)

Literature cited by the submitters: PubMed 15907525 (cited by Women's Health and Genetics/Laboratory Corporation of America, LabCorp and Mayo Clinic Laboratories, Mayo Clinic); PubMed 38397060 (cited by Women's Health and Genetics/Laboratory Corporation of America, LabCorp); PubMed 28447100 (cited by Mayo Clinic Laboratories, Mayo Clinic).

NM_019616.4(F7):c.686C>T (p.Ala229Val)

Gene: F7 (coagulation factor VII; plus strand). Cytogenetic location: 13q34.
Variant type: single nucleotide variant.
Coding change: c.686C>T on transcript NM_019616.4 (MANE Select); coding-DNA position 686, C replaced by T.
Protein change: p.Ala229Val; replaces alanine 229 with valine.
Molecular consequence: missense variant. On other transcripts: non-coding transcript variant (1).
Genome position (GRCh38, 1-based): chr13:113,117,543, C>T. VCF-style: chr13-113117543-C-T. GRCh37 (hg19) VCF-style: chr13-113771857-C-T.
Other names: p.Ala251Val; c.752C>T, p.Ala251Val (NM_000131.5); c.500C>T, p.Ala167Val (NM_001267554.2); short protein forms A167V, A229V, A251V.
Identifiers: ClinVar variation 1706362 (VCV001706362.4), dbSNP rs747989049, ClinGen allele CA7060071.